The following is an entry in ClinVar:

ClinVar aggregate classification (germline): Uncertain significance (1 of 4 stars; one submission).

Conditions:
Amyotrophic lateral sclerosis type 1 (ALS1). Also called: AMYOTROPHIC LATERAL SCLEROSIS 1, FAMILIAL. Identifiers: Orphanet 803, MedGen C1862939, MONDO:0007103, OMIM 105400.
Neuronopathy, distal hereditary motor, type 7B. Also called: HMN VIIB; LOWER MOTOR NEURON DISEASE, DYNACTIN TYPE; NEURONOPATHY, DISTAL HEREDITARY MOTOR, AUTOSOMAL DOMINANT 14; NEURONOPATHY, DISTAL HEREDITARY MOTOR, HARDING TYPE VIIB; NEUROPATHY, DISTAL HEREDITARY MOTOR, HARDING TYPE VIIB; NEUROPATHY, DISTAL HEREDITARY MOTOR, WITH VOCAL CORD PARALYSIS, HARDING TYPE VIIB. Identifiers: Orphanet 139589, MedGen C1843315, MONDO:0011879, OMIM 607641.
Perry syndrome. Also called: PARKINSONISM WITH ALVEOLAR HYPOVENTILATION AND MENTAL DEPRESSION. Identifiers: Orphanet 178509, MedGen C1868594, MONDO:0008201, OMIM 168605.

Submission:

Labcorp Genetics (formerly Invitae), Labcorp
Classification: Uncertain significance for Amyotrophic lateral sclerosis type 1; Neuronopathy, distal hereditary motor, type 7B; Perry syndrome. Last evaluated: 2022-11-06. Review status: criteria provided, single submitter. Criteria: Invitae Variant Classification Sherloc (09022015). Collection method: clinical testing. Allele origin: germline.
Comment: In summary, the available evidence is currently insufficient to determine the role of this variant in disease. Therefore, it has been classified as a Variant of Uncertain Significance. Algorithms developed to predict the effect of sequence changes on RNA splicing suggest that this variant may disrupt the consensus splice site. Algorithms developed to predict the effect of missense changes on protein structure and function are either unavailable or do not agree on the potential impact of this missense change (SIFT: "Deleterious"; PolyPhen-2: "Benign"; Align-GVGD: "Class C25"). This variant has not been reported in the literature in individuals affected with DCTN1-related conditions. This variant is not present in population databases (gnomAD no frequency). This sequence change replaces proline, which is neutral and non-polar, with alanine, which is neutral and non-polar, at codon 921 of the DCTN1 protein (p.Pro921Ala).

NM_004082.5(DCTN1):c.2761C>G (p.Pro921Ala)

Gene: DCTN1 (dynactin subunit 1; minus strand). Cytogenetic location: 2p13.1.
Variant type: single nucleotide variant.
Coding change: c.2761C>G on transcript NM_004082.5 (MANE Select); coding-DNA position 2761, C replaced by G.
Protein change: p.Pro921Ala; replaces proline 921 with alanine.
Molecular consequence: missense variant. On other transcripts: non-coding transcript variant (1).
Genome position (GRCh38, 1-based): chr2:74,366,018, G>C on the plus strand (C>G on the coding strand, the complement: DCTN1 is on the minus strand). VCF-style: chr2-74366018-G-C. GRCh37 (hg19) VCF-style: chr2-74593145-G-C.
Other names: c.2701C>G, p.Pro901Ala (NM_001135040.3); c.2359C>G, p.Pro787Ala (NM_001135041.3, NM_023019.4); c.2650C>G, p.Pro884Ala (NM_001190836.2); c.2740C>G, p.Pro914Ala (NM_001190837.2); c.2710C>G, p.Pro904Ala (NM_001378991.1); c.2692C>G, p.Pro898Ala (NM_001378992.1); short protein forms P884A, P914A, P904A, P921A, P787A, P898A, P901A.
Identifiers: ClinVar variation 2941330 (VCV002941330.3), dbSNP rs2529109121, ClinGen allele CA347342967.